The following is an entry in ClinVar:

NM_003742.4(ABCB11):c.959_960del (p.Ile320fs)

Gene: ABCB11 (ATP binding cassette subfamily B member 11; minus strand). Cytogenetic location: 2q31.1.
Variant type: Deletion.
Coding change: c.959_960del on transcript NM_003742.4 (MANE Select); coding-DNA positions 959 to 960, 2 bases deleted (TA; older notation c.959_960delTA).
Protein change: p.Ile320fs; shifts the reading frame from isoleucine 320.
Molecular consequence: frameshift variant.
Genome position (GRCh38, 1-based): chr2:168,986,233-168,986,234, TA deleted on the plus strand (TA on the coding strand, the reverse complement: ABCB11 is on the minus strand); deleting any 2 consecutive bases within chr2:168,986,233-168,986,235 gives the same sequence; the c. name uses the placement nearest the transcript's 3' end. VCF-style (leftmost placement, unchanged base first): chr2-168986232-CTA-C. GRCh37 (hg19) VCF-style: chr2-169842742-CTA-C.
Other names: c.959_960del (NM_003742.2); c.959_960delTA (NM_003742.4, NM_003742.2); short protein forms I320fs.
Identifiers: ClinVar variation 1456442 (VCV001456442.13), dbSNP rs1418620415, ClinGen allele CA429917031.

ClinVar aggregate classification (germline): Pathogenic/Likely pathogenic. Review status: criteria provided, multiple submitters, no conflicts (2 of 4 stars). 7 submissions from 7 submitters: Pathogenic (4); Likely pathogenic (2). 1 of the submissions does not count toward it. Last evaluated 2026-03-09.

Conditions:
ABCB11-related disorder. Also called: ABCB11-related condition.
Progressive familial intrahepatic cholestasis type 2. Identifiers: Orphanet 79304, MedGen C3489789, MONDO:0011156, OMIM 601847.
Benign recurrent intrahepatic cholestasis type 2 (BRIC2). Also called: Recurrent familial intrahepatic cholestasis 2. Identifiers: Orphanet 65682, Orphanet 99961, MedGen C2608083, MONDO:0011559, OMIM 605479.
Progressive familial intrahepatic cholestasis (PFIC). Also called: Progressive intrahepatic cholestasis; Progressive family intrahepatic cholestasis. Identifiers: Orphanet 172, MedGen C0268312, MONDO:0015762.

Submissions (7):

GeneDx
Classification: Likely pathogenic. Last evaluated: 2026-03-09. Review status: criteria provided, single submitter. Criteria: GeneDx Variant Classification Process June 2021. Collection method: clinical testing. Allele origin: germline.
Comment: Frameshift variant predicted to result in protein truncation or nonsense mediated decay in a gene for which loss of function is a known mechanism of disease; Reported with a pathogenic ABCB11 variant in a patient with intrahepatic cholestasis; it is unknown if the variants were confirmed to be located on opposite alleles (in trans) (PMID: 34016879); Not observed at significant frequency in large population cohorts (gnomAD); This variant is associated with the following publications: (PMID: 34016879, 34308104)

Labcorp Genetics (formerly Invitae), Labcorp
Classification: Pathogenic. Last evaluated: 2025-09-24. Review status: criteria provided, single submitter. Criteria: Invitae Variant Classification Sherloc (09022015). Collection method: clinical testing. Allele origin: germline.
Comment: This sequence change creates a premature translational stop signal (p.Ile320Serfs*31) in the ABCB11 gene. It is expected to result in an absent or disrupted protein product. Loss-of-function variants in ABCB11 are known to be pathogenic (PMID: 18395098, 20232290). This variant is present in population databases (no rsID available, gnomAD 0.0009%). This variant has not been reported in the literature in individuals affected with ABCB11-related conditions. ClinVar contains an entry for this variant (Variation ID: 1456442). For these reasons, this variant has been classified as Pathogenic.

Natera, Inc.
Classification: Pathogenic for Progressive familial intrahepatic cholestasis type 2. Last evaluated: 2025-09-21. Review status: criteria provided, single submitter. Criteria: Natera Variant Classification Schema (03/2026). Collection method: clinical testing. Allele origin: germline.
Comment: The c.959_960delTA variant in ABCB11 is a frameshift variant predicted to shift the reading frame beginning at codon 320 and leads to a stop codon 31 codons downstream. This variant is expected to result in nonsense mediated decay, truncation, or a dysfunctional protein product. This variant is rare in the general population with a frequency below the threshold expected for the associated phenotype(s). This variant has been observed in one or more individuals affected with the associated recessive disease, as either homozygous or compound heterozygous with a second variant (PMID: 34016879). Given the available evidence, this variant is classified as Pathogenic.

Fulgent Genetics
Classification: Pathogenic for Progressive familial intrahepatic cholestasis type 2; Benign recurrent intrahepatic cholestasis type 2. Last evaluated: 2024-05-21. Review status: criteria provided, single submitter. Criteria: ACMG Guidelines, 2015. Collection method: clinical testing. Allele origin: germline.

Baylor Genetics
Classification: Likely pathogenic for Benign recurrent intrahepatic cholestasis type 2. Last evaluated: 2024-02-20. Review status: criteria provided, single submitter. Criteria: ACMG Guidelines, 2015. Collection method: clinical testing. Allele origin: unknown.

Women's Health and Genetics/Laboratory Corporation of America, LabCorp
Classification: Pathogenic for Progressive familial intrahepatic cholestasis. Last evaluated: 2023-02-20. Review status: criteria provided, single submitter. Criteria: LabCorp Variant Classification Summary - May 2015. Collection method: clinical testing. Allele origin: germline.
Comment: Variant summary: ABCB11 c.959_960delTA (p.Ile320SerfsX31) results in a premature termination codon, predicted to cause a truncation of the encoded protein or absence of the protein due to nonsense mediated decay, which are commonly known mechanisms for disease. The variant allele was found at a frequency of 4e-06 in 248832 control chromosomes. c.959_960delTA has been reported in the literature in individuals affected with Familial Intrahepatic Cholestasis (Hartel_2021). To our knowledge, no experimental evidence demonstrating an impact on protein function has been reported. One clinical diagnostic laboratory has submitted clinical-significance assessments for this variant to ClinVar after 2014 without evidence for independent evaluation. One laboratory classified the variant as pathogenic. Based on the evidence outlined above, the variant was classified as pathogenic.

PreventionGenetics, part of Exact Sciences
Classification: Pathogenic for ABCB11-related condition. Last evaluated: 2024-09-13. Review status: no assertion criteria provided. Collection method: clinical testing. Allele origin: germline. Not counted in ClinVar's aggregate classification.
Comment: The ABCB11 c.959_960delTA variant is predicted to result in a frameshift and premature protein termination (p.Ile320Serfs*31). This variant has been reported along with a second pathogenic ABCB11 variant in a patient with intrahepatic cholestasis (Table S3, Hertel et al. 2021. PubMed ID: 34016879). This variant is reported in 0.00089% of alleles in individuals of European (Non-Finnish) descent in gnomAD. Frameshift variants in ABCB11 are expected to be pathogenic. This variant is interpreted as pathogenic.

Literature cited by the submitters: PubMed 18395098 (cited by Labcorp Genetics (formerly Invitae), Labcorp); PubMed 20232290 (cited by Labcorp Genetics (formerly Invitae), Labcorp); PubMed 34016879 (cited by Natera, Inc. and Women's Health and Genetics/Laboratory Corporation of America, LabCorp).